The following is an entry in ClinVar:

ClinVar aggregate classification (germline): Conflicting classifications of pathogenicity. Review status: criteria provided, conflicting classifications (1 of 4 stars). 5 submissions from 5 submitters: Pathogenic (1); Likely pathogenic (2); Uncertain significance (2). Last evaluated 2024-06-03.

Conditions:
RHO-related disorder. Also called: RHO-related condition.
Retinitis pigmentosa 4 (RP4). Also called: RETINITIS PIGMENTOSA, RHODOPSIN-RELATED. Identifiers: Orphanet 791, MedGen C3151001, MONDO:0013395, OMIM 613731.

Submissions (5):

GeneDx
Classification: Uncertain significance. Last evaluated: 2024-06-03. Review status: criteria provided, single submitter. Criteria: GeneDx Variant Classification Process June 2021. Collection method: clinical testing. Allele origin: germline. Affected: yes.
Comment: Not observed at significant frequency in large population cohorts (gnomAD); In silico analysis indicates that this missense variant does not alter protein structure/function; This variant is associated with the following publications: (PMID: 32531858, 36460718, 36819107, 28076437)

Labcorp Genetics (formerly Invitae), Labcorp
Classification: Uncertain significance. Last evaluated: 2023-05-16. Review status: criteria provided, single submitter. Criteria: Invitae Variant Classification Sherloc (09022015). Collection method: clinical testing. Allele origin: germline.
Comment: This missense change has been observed in individuals with retinitis pigmentosa (PMID: 28076437, 32531858; Invitae). In summary, the available evidence is currently insufficient to determine the role of this variant in disease. Therefore, it has been classified as a Variant of Uncertain Significance. Advanced modeling of protein sequence and biophysical properties (such as structural, functional, and spatial information, amino acid conservation, physicochemical variation, residue mobility, and thermodynamic stability) performed at Invitae indicates that this missense variant is not expected to disrupt RHO protein function. ClinVar contains an entry for this variant (Variation ID: 867199). This variant is not present in population databases (gnomAD no frequency). This sequence change replaces serine, which is neutral and polar, with asparagine, which is neutral and polar, at codon 343 of the RHO protein (p.Ser343Asn).

Centre for Genomic Medicine, Manchester, Central Manchester University Hospitals
Classification: Likely pathogenic for Retinitis pigmentosa 4. Last evaluated: 2020-09-01. Review status: criteria provided, single submitter. Criteria: ACMG Guidelines, 2015. Collection method: clinical testing. Allele origin: germline. Affected: yes. Observed: 1 heterozygote.

Blueprint Genetics
Classification: Likely pathogenic for RHO-related disorders. Last evaluated: 2019-07-18. Review status: criteria provided, single submitter. Criteria: ACMG Guidelines, 2015. Collection method: clinical testing. Allele origin: germline. Affected: yes. Observed: 1 variant allele.

CeGaT Center for Human Genetics Tuebingen
Classification: Pathogenic. Last evaluated: 2017-03-01. Review status: criteria provided, single submitter. Criteria: CeGaT Center For Human Genetics Tuebingen Variant Classification Criteria Version 2. Collection method: clinical testing. Allele origin: germline. Affected: yes. Observed: 1 variant allele.

Literature cited by the submitters: PubMed 28076437 (cited by Labcorp Genetics (formerly Invitae), Labcorp); PubMed 32531858 (cited by Labcorp Genetics (formerly Invitae), Labcorp).

NM_000539.3(RHO):c.1028G>A (p.Ser343Asn)

Gene: RHO (rhodopsin; plus strand). Cytogenetic location: 3q22.1.
Variant type: single nucleotide variant.
Coding change: c.1028G>A on transcript NM_000539.3 (MANE Select); coding-DNA position 1028, G replaced by A.
Protein change: p.Ser343Asn; replaces serine 343 with asparagine.
Molecular consequence: missense variant.
Genome position (GRCh38, 1-based): chr3:129,533,699, G>A. VCF-style: chr3-129533699-G-A. GRCh37 (hg19) VCF-style: chr3-129252542-G-A.
Other names: short protein forms S343N.
Identifiers: ClinVar variation 867199 (VCV000867199.48), dbSNP rs2084801470, ClinGen allele CA354471256.